The following is an entry in ClinVar:

NM_002480.3(PPP1R12A):c.2484G>A (p.Glu828=)

Gene: PPP1R12A (protein phosphatase 1 regulatory subunit 12A; minus strand). Cytogenetic location: 12q21.2.
Variant type: single nucleotide variant.
Coding change: c.2484G>A on transcript NM_002480.3 (MANE Select); coding-DNA position 2484, G replaced by A.
Protein change: p.Glu828=; no amino-acid change (glutamic acid 828 retained).
Molecular consequence: synonymous variant.
Genome position (GRCh38, 1-based): chr12:79,795,737, C>T on the plus strand (G>A on the coding strand, the complement: PPP1R12A is on the minus strand). VCF-style: chr12-79795737-C-T. GRCh37 (hg19) VCF-style: chr12-80189517-C-T.
Other names: c.2484G>A, p.Glu828= (NM_001143885.2, NM_001244990.2); c.2223G>A, p.Glu741= (NM_001143886.2); c.2316G>A, p.Glu772= (NM_001244992.1).
Identifiers: ClinVar variation 708235 (VCV000708235.37), dbSNP rs113668494, ClinGen allele CA6699413.
Genomic context (GRCh38, chr12:79,795,737, plus strand): 5'-CTCTCTTGGTCGTCGTCGTTCTCTGATTGATTTAGGTTGTGATTTATCTTCTCCTTCTTT[C>T]TCCTCTTCTCTTTTTTCTCCCTCTGTTAAGGATTGCAATGAACCACAATATAGCAATATA-3'
Protein context (NP_002471.1, residues 818-838): NEREGEKREE[Glu828=]KEGEDKSQPK

ClinVar aggregate classification (germline): Benign. Review status: criteria provided, multiple submitters, no conflicts (2 of 4 stars). 3 submissions from 3 submitters: Benign (3). Last evaluated 2026-07-01.

Allele frequency attached by ClinVar (database versions not stated): 1000 Genomes Project 30x 0.00312; 1000 Genomes Project 0.00319; TOPMed 0.00728; gnomAD 0.00803 and 0.00817; ExAC 0.00818; ESP Exome Variant Server 0.01071.
gnomAD v4.1: 17,262 of 1,610,860 alleles (1.1%); highest among the groups gnomAD compares: Non-Finnish European, 1.3%; 105 homozygotes.

Submissions (3):

CeGaT Center for Human Genetics Tuebingen
Classification: Benign. Last evaluated: 2026-07-01. Review status: criteria provided, single submitter. Criteria: CeGaT Center For Human Genetics Tuebingen Variant Classification Criteria Version 2. Collection method: clinical testing. Allele origin: germline. Affected: yes. Observed: 7 variant alleles.
Comment: PPP1R12A: BP4, BP7, BS1, BS2

Labcorp Genetics (formerly Invitae), Labcorp
Classification: Benign. Last evaluated: 2026-01-14. Review status: criteria provided, single submitter. Criteria: Invitae Variant Classification Sherloc (09022015). Collection method: clinical testing. Allele origin: germline.

Breakthrough Genomics
Classification: Benign. Review status: criteria provided, single submitter. Criteria: ACMG Guidelines, 2015. Collection method: not provided. Allele origin: germline. Inheritance: Autosomal dominant inheritance. Affected: yes.